The following is an entry in ClinVar:

NM_000235.4(LIPA):c.116A>T (p.Glu39Val)

Gene: LIPA (lipase A, lysosomal acid type; minus strand). Cytogenetic location: 10q23.31.
Variant type: single nucleotide variant.
Coding change: c.116A>T on transcript NM_000235.4 (MANE Select); coding-DNA position 116, A replaced by T.
Protein change: p.Glu39Val; replaces glutamic acid 39 with valine.
Molecular consequence: missense variant. On other transcripts: intron variant (1).
Genome position (GRCh38, 1-based): chr10:89,245,789, T>A on the plus strand (A>T on the coding strand, the complement: LIPA is on the minus strand). VCF-style: chr10-89245789-T-A. GRCh37 (hg19) VCF-style: chr10-91005546-T-A.
Other names: c.116A>T, p.Glu39Val (NM_001127605.3); c.-120+5948A>T (NM_001288979.2); short protein forms E39V.
Identifiers: ClinVar variation 2586383 (VCV002586383.2), dbSNP rs2495641588, ClinGen allele CA377518417.

ClinVar aggregate classification (germline): Uncertain significance (1 of 4 stars; one submission).

Conditions:
Cardiovascular phenotype. Identifiers: MedGen CN230736.

Submission:

Ambry Genetics
Classification: Uncertain significance for Cardiovascular phenotype. Last evaluated: 2023-07-29. Review status: criteria provided, single submitter. Criteria: Ambry Variant Classification Scheme 2023. Collection method: clinical testing. Allele origin: germline.
Comment: The p.E39V variant (also known as c.116A>T), located in coding exon 2 of the LIPA gene, results from an A to T substitution at nucleotide position 116. The glutamic acid at codon 39 is replaced by valine, an amino acid with dissimilar properties. This amino acid position is conserved. In addition, this alteration is predicted to be deleterious by in silico analysis. Since supporting evidence is limited at this time, the clinical significance of this alteration remains unclear.